The following is an entry in ClinVar:

ClinVar aggregate classification (germline): Uncertain significance (1 of 4 stars; one submission).

Conditions:
Hereditary cancer-predisposing syndrome. Also called: Hereditary Cancer Syndrome; Hereditary neoplastic syndrome; Neoplastic Syndromes, Hereditary; Tumor predisposition. Identifiers: Orphanet 140162, MedGen C0027672, MeSH D009386, MONDO:0015356.

gnomAD v4.1: 1 of 1,614,102 alleles (0.000062%); highest among the groups gnomAD compares: Admixed American, 0.0017%; no homozygotes.

Submission:

Ambry Genetics
Classification: Uncertain significance for Hereditary cancer-predisposing syndrome. Last evaluated: 2025-03-22. Review status: criteria provided, single submitter. Criteria: Ambry Variant Classification Scheme 2023. Collection method: clinical testing. Allele origin: germline.
Comment: The p.K813Q variant (also known as c.2437A>C), located in coding exon 4 of the MSH6 gene, results from an A to C substitution at nucleotide position 2437. The lysine at codon 813 is replaced by glutamine, an amino acid with similar properties. This amino acid position is conserved. In addition, the in silico prediction for this alteration is inconclusive. Based on the available evidence, the clinical significance of this variant remains unclear.

NM_000179.3(MSH6):c.2437A>C (p.Lys813Gln)

Gene: MSH6 (mutS homolog 6; plus strand). Cytogenetic location: 2p16.3.
Variant type: single nucleotide variant.
Coding change: c.2437A>C on transcript NM_000179.3 (MANE Select); coding-DNA position 2437, A replaced by C.
Protein change: p.Lys813Gln; replaces lysine 813 with glutamine.
Molecular consequence: missense variant. On other transcripts: non-coding transcript variant (5), intron variant (3).
Genome position (GRCh38, 1-based): chr2:47,800,420, A>C. VCF-style: chr2-47800420-A-C. GRCh37 (hg19) VCF-style: chr2-48027559-A-C.
Other names: c.2047A>C, p.Lys683Gln (NM_001281492.2); c.1531A>C, p.Lys511Gln (NM_001281493.2, NM_001281494.2, NM_001406811.1 and 6 more transcripts); c.2533A>C, p.Lys845Gln (NM_001406795.1, NM_001406802.1); c.2437A>C, p.Lys813Gln (NM_001406796.1, NM_001406798.1, NM_001406800.1 and 2 more transcripts); c.2140A>C, p.Lys714Gln (NM_001406797.1, NM_001406801.1, NM_001406805.1 and 10 more transcripts); c.1912A>C, p.Lys638Gln (NM_001406799.1, NM_001406806.1, NM_001406807.1); c.2359A>C, p.Lys787Gln (NM_001406804.1); c.2443A>C, p.Lys815Gln (NM_001406813.1); and 4 more; short protein forms K511Q, K714Q, K815Q, K638Q, K683Q, K813Q, K845Q, K757Q.
Identifiers: ClinVar variation 3913729 (VCV003913729.1).